The following is an entry in ClinVar:

NM_005050.4(ABCD4):c.406C>T (p.Arg136Trp)

Gene: ABCD4 (ATP binding cassette subfamily D member 4; minus strand). Cytogenetic location: 14q24.3.
Variant type: single nucleotide variant.
Coding change: c.406C>T on transcript NM_005050.4 (MANE Select); coding-DNA position 406, C replaced by T.
Protein change: p.Arg136Trp; replaces arginine 136 with tryptophan.
Molecular consequence: missense variant. On other transcripts: 5 prime UTR variant (12), non-coding transcript variant (8), intron variant (5).
Genome position (GRCh38, 1-based): chr14:74,297,949, G>A on the plus strand (C>T on the coding strand, the complement: ABCD4 is on the minus strand). VCF-style: chr14-74297949-G-A. GRCh37 (hg19) VCF-style: chr14-74764652-G-A.
Other names: c.406C>T, p.Arg136Trp (NM_001353591.2, NM_001353592.2, NM_020325.3); c.145C>T, p.Arg49Trp (NM_001353593.2, NM_001353594.2); c.-4C>T (NM_001353595.2, NM_001353596.2, NM_001353597.2); c.-72C>T (NM_001353598.2, NM_001353600.2); c.-284C>T (NM_001353602.2); c.-289C>T (NM_001353603.2, NM_001353605.2, NM_001353606.2 and 3 more transcripts); c.-269-1500C>T (NM_001353604.2); c.-52-1500C>T (NM_001353601.2, NM_020324.3, NM_001353599.2); and 1 more; short protein forms R136W, R49W.
Identifiers: ClinVar variation 574740 (VCV000574740.7), dbSNP rs145141432, ClinGen allele CA7267234.

ClinVar aggregate classification (germline): Uncertain significance. Review status: criteria provided, multiple submitters, no conflicts (2 of 4 stars). 4 submissions from 4 submitters: Uncertain significance (4). Last evaluated 2024-09-23.

Conditions:
Methylmalonic acidemia with homocystinuria, type cblJ (MAHCJ). Also called: METHYLMALONIC ACIDURIA AND HOMOCYSTINURIA, cblJ TYPE. Identifiers: Orphanet 369955, MedGen C3553915, MONDO:0013925, OMIM 614857.

Allele frequency attached by ClinVar (database versions not stated): gnomAD exomes 0.00005 and 0.00010; ExAC 0.00016; gnomAD 0.00035 and 0.00038; ESP Exome Variant Server 0.00038; TOPMed 0.00038; 1000 Genomes Project 30x 0.00125; 1000 Genomes Project 0.00140.
gnomAD v4.1: 141 of 1,613,398 alleles (0.0087%); highest among the groups gnomAD compares: African/African-American, 0.15%; 1 homozygote.

Submissions (4):

GeneDx
Classification: Uncertain significance. Last evaluated: 2024-09-23. Review status: criteria provided, single submitter. Criteria: GeneDx Variant Classification Process June 2021. Collection method: clinical testing. Allele origin: germline. Affected: yes.
Comment: Has not been previously published as pathogenic or benign to our knowledge; In silico analysis supports that this missense variant has a deleterious effect on protein structure/function; In silico analysis suggests this variant may impact gene splicing. In the absence of RNA/functional studies, the actual effect of this sequence change is unknown.

Blueprint Genetics
Classification: Uncertain significance. Last evaluated: 2023-09-14. Review status: criteria provided, single submitter. Criteria: ACMG Guidelines, 2015. Collection method: clinical testing. Allele origin: germline.

Revvity Omics, Revvity
Classification: Uncertain significance for Methylmalonic acidemia with homocystinuria, type cblJ. Last evaluated: 2023-06-29. Review status: criteria provided, single submitter. Criteria: ACMG Guidelines, 2015. Collection method: clinical testing. Allele origin: germline.

Labcorp Genetics (formerly Invitae), Labcorp
Classification: Uncertain significance for Methylmalonic acidemia with homocystinuria, type cblJ. Last evaluated: 2022-09-26. Review status: criteria provided, single submitter. Criteria: Invitae Variant Classification Sherloc (09022015). Collection method: clinical testing. Allele origin: germline.
Comment: This sequence change replaces arginine, which is basic and polar, with tryptophan, which is neutral and slightly polar, at codon 136 of the ABCD4 protein (p.Arg136Trp). This variant is present in population databases (rs145141432, gnomAD 0.1%). This variant has not been reported in the literature in individuals affected with ABCD4-related conditions. ClinVar contains an entry for this variant (Variation ID: 574740). Algorithms developed to predict the effect of missense changes on protein structure and function are either unavailable or do not agree on the potential impact of this missense change (SIFT: "Deleterious"; PolyPhen-2: "Probably Damaging"; Align-GVGD: "Class C0"). Algorithms developed to predict the effect of sequence changes on RNA splicing suggest that this variant may create or strengthen a splice site. In summary, the available evidence is currently insufficient to determine the role of this variant in disease. Therefore, it has been classified as a Variant of Uncertain Significance.